The following is an entry in ClinVar:

NM_003068.5(SNAI2):c.401A>G (p.Asn134Ser)

Gene: SNAI2 (snail family transcriptional repressor 2; minus strand). Cytogenetic location: 8q11.21.
Variant type: single nucleotide variant.
Coding change: c.401A>G on transcript NM_003068.5 (MANE Select); coding-DNA position 401, A replaced by G.
Protein change: p.Asn134Ser; replaces asparagine 134 with serine.
Molecular consequence: missense variant.
Genome position (GRCh38, 1-based): chr8:48,920,120, T>C on the plus strand (A>G on the coding strand, the complement: SNAI2 is on the minus strand). VCF-style: chr8-48920120-T-C. GRCh37 (hg19) VCF-style: chr8-49832679-T-C.
Other names: short protein forms N134S.
Identifiers: ClinVar variation 1960993 (VCV001960993.5), dbSNP rs200799419, ClinGen allele CA4743499.

ClinVar aggregate classification (germline): Uncertain significance (1 of 4 stars; one submission).

Allele frequency attached by ClinVar (database versions not stated): gnomAD 0.00001; gnomAD exomes 0.00001; TOPMed 0.00001; ExAC 0.00002; 1000 Genomes Project 30x 0.00016; 1000 Genomes Project 0.00020.
gnomAD v4.1: 4 of 1,614,234 alleles (0.00025%); highest among the groups gnomAD compares: East Asian, 0.0089%; no homozygotes.

Submission:

Labcorp Genetics (formerly Invitae), Labcorp
Classification: Uncertain significance. Last evaluated: 2022-02-20. Review status: criteria provided, single submitter. Criteria: Invitae Variant Classification Sherloc (09022015). Collection method: clinical testing. Allele origin: germline.
Comment: Algorithms developed to predict the effect of missense changes on protein structure and function output the following: SIFT: "Tolerated"; PolyPhen-2: "Benign"; Align-GVGD: "Class C0". The serine amino acid residue is found in multiple mammalian species, which suggests that this missense change does not adversely affect protein function. This variant has not been reported in the literature in individuals affected with SNAI2-related conditions. This variant is present in population databases (rs200799419, gnomAD 0.02%). This sequence change replaces asparagine, which is neutral and polar, with serine, which is neutral and polar, at codon 134 of the SNAI2 protein (p.Asn134Ser). In summary, the available evidence is currently insufficient to determine the role of this variant in disease. Therefore, it has been classified as a Variant of Uncertain Significance.